The following is an entry in ClinVar:

ClinVar aggregate classification (germline): Benign. Review status: criteria provided, multiple submitters, no conflicts (2 of 4 stars). 3 submissions from 2 submitters: Benign (3). Last evaluated 2019-01-06.

Conditions:
Charcot-Marie-Tooth disease type 4J (CMT4J). Also called: CHARCOT-MARIE-TOOTH DISEASE, AUTOSOMAL RECESSIVE, TYPE 4J; Charcot-Marie-Tooth Neuropathy Type 4J; CHARCOT-MARIE-TOOTH DISEASE, DEMYELINATING, TYPE 4J. Identifiers: Orphanet 139515, MedGen C1970011, MONDO:0012640, OMIM 611228.
Amyotrophic lateral sclerosis type 11 (ALS11). Identifiers: Orphanet 803, MedGen C2675491, MONDO:0012945, OMIM 612577.

Allele frequency attached by ClinVar (database versions not stated): gnomAD 0.02164; 1000 Genomes Project 0.02276; TOPMed 0.02353; 1000 Genomes Project 30x 0.02436.

Submissions (3):

GeneDx
Classification: Benign. Last evaluated: 2019-01-06. Review status: criteria provided, single submitter. Criteria: GeneDx Variant Classification Process June 2021. Collection method: clinical testing. Allele origin: germline. Affected: yes.

Illumina Laboratory Services, Illumina
Classification: Benign for Charcot-Marie-Tooth disease type 4J. Last evaluated: 2018-01-13. Review status: criteria provided, single submitter. Criteria: ICSL Variant Classification Criteria 13 December 2019. Collection method: clinical testing. Allele origin: germline.
Comment: This variant was observed in the ICSL laboratory as part of a predisposition screen in an ostensibly healthy population. It had not been previously curated by ICSL or reported in the Human Gene Mutation Database (HGMD: prior to June 1st, 2018), and was therefore a candidate for classification through an automated scoring system. Utilizing variant allele frequency, disease prevalence and penetrance estimates, and inheritance mode, an automated score was calculated to assess if this variant is too frequent to cause the disease. Based on the score and internal cut-off values, a variant classified as benign is not then subjected to further curation. The score for this variant resulted in a classification of benign for this disease.

Illumina Laboratory Services, Illumina
Classification: Benign for Amyotrophic lateral sclerosis type 11. Last evaluated: 2018-01-13. Review status: criteria provided, single submitter. Criteria: ICSL Variant Classification Criteria 13 December 2019. Collection method: clinical testing. Allele origin: germline.
Comment: the same text as in the submission from Illumina Laboratory Services, Illumina above.

NM_014845.6(FIG4):c.-121G>A

Gene: FIG4 (FIG4 phosphoinositide 5-phosphatase; plus strand). Cytogenetic location: 6q21.
Variant type: single nucleotide variant.
Coding change: c.-121G>A on transcript NM_014845.6 (MANE Select); 121 bases upstream of the start codon, G replaced by A.
Molecular consequence: 5 prime UTR variant.
Genome position (GRCh38, 1-based): chr6:109,691,315, G>A. VCF-style: chr6-109691315-G-A. GRCh37 (hg19) VCF-style: chr6-110012518-G-A.
Identifiers: ClinVar variation 355029 (VCV000355029.7), dbSNP rs75509752, ClinGen allele CA10622801.
Genomic context (GRCh38, chr6:109,691,315, plus strand): 5'-GGGCTTGCCTGGAGGCGGGGCGCAGGGATCCGGAAACACCTGATCATCTATAGGTTTAGT[G>A]CCTAATGGGTGTTGTTCCTGGCTGGACTTGATGTCCAGGGCCTGAGGGGTTTTCTCGCCG-3'